The following is an entry in ClinVar:

NM_001457.4(FLNB):c.2423C>G (p.Thr808Arg)

Gene: FLNB (filamin B; plus strand). Cytogenetic location: 3p14.3.
Variant type: single nucleotide variant.
Coding change: c.2423C>G on transcript NM_001457.4 (MANE Select); coding-DNA position 2423, C replaced by G.
Protein change: p.Thr808Arg; replaces threonine 808 with arginine.
Molecular consequence: missense variant.
Genome position (GRCh38, 1-based): chr3:58,110,109, C>G. VCF-style: chr3-58110109-C-G. GRCh37 (hg19) VCF-style: chr3-58095836-C-G.
Other names: c.2423C>G, p.Thr808Arg (NM_001164317.2, NM_001164318.2, NM_001164319.2); short protein forms T808R.
Identifiers: ClinVar variation 3635709 (VCV003635709.2).
Genomic context (GRCh38, chr3:58,110,109, plus strand): 5'-TAAGTGAAGATGAGGAAGACGTGGATTTTGACATTATTCACAATGCCAATGATACGTTCA[C>G]AGTCAAATATGTGCCTCCTGCTGCTGGGCGATACACTATCAAAGTTCTCTTTGCATCTCA-3'
Protein context (NP_001448.2, residues 798-818): DIIHNANDTF[Thr808Arg]VKYVPPAAGR

ClinVar aggregate classification (germline): Uncertain significance (1 of 4 stars; one submission).

Submission:

Labcorp Genetics (formerly Invitae), Labcorp
Classification: Uncertain significance. Last evaluated: 2024-11-07. Review status: criteria provided, single submitter. Criteria: Invitae Variant Classification Sherloc (09022015). Collection method: clinical testing. Allele origin: germline.
Comment: This sequence change replaces threonine, which is neutral and polar, with arginine, which is basic and polar, at codon 808 of the FLNB protein (p.Thr808Arg). This variant is not present in population databases (gnomAD no frequency). This variant has not been reported in the literature in individuals affected with FLNB-related conditions. Invitae Evidence Modeling of protein sequence and biophysical properties (such as structural, functional, and spatial information, amino acid conservation, physicochemical variation, residue mobility, and thermodynamic stability) indicates that this missense variant is not expected to disrupt FLNB protein function with a negative predictive value of 95%. In summary, the available evidence is currently insufficient to determine the role of this variant in disease. Therefore, it has been classified as a Variant of Uncertain Significance.